The following is an entry in ClinVar:

NM_201384.3(PLEC):c.7628A>C (p.Gln2543Pro)

Gene: PLEC (plectin; minus strand). Cytogenetic location: 8q24.3.
Variant type: single nucleotide variant.
Coding change: c.7628A>C on transcript NM_201384.3 (MANE Select); coding-DNA position 7628, A replaced by C.
Protein change: p.Gln2543Pro; replaces glutamine 2543 with proline.
Molecular consequence: missense variant.
Genome position (GRCh38, 1-based): chr8:143,922,193, T>G on the plus strand (A>C on the coding strand, the complement: PLEC is on the minus strand). VCF-style: chr8-143922193-T-G. GRCh37 (hg19) VCF-style: chr8-144996361-T-G.
Other names: c.7709A>C, p.Gln2570Pro (NM_000445.5); c.4328A>C, p.Gln1443Pro (NM_001410941.1); c.7586A>C, p.Gln2529Pro (NM_201378.4); c.7562A>C, p.Gln2521Pro (NM_201379.3); c.8039A>C, p.Gln2680Pro (NM_201380.4); c.7532A>C, p.Gln2511Pro (NM_201381.3); c.7628A>C, p.Gln2543Pro (NM_201382.4); c.7640A>C, p.Gln2547Pro (NM_201383.3); short protein forms Q2511P, Q2547P, Q2543P, Q2680P, Q1443P, Q2521P, Q2529P, Q2570P.
Identifiers: ClinVar variation 4783137 (VCV004783137.1).

ClinVar aggregate classification (germline): Uncertain significance (1 of 4 stars; one submission).

Conditions:
Epidermolysis bullosa simplex with nail dystrophy (EBS5D). Identifiers: MedGen C4225309, MONDO:0014661, OMIM 616487.
Epidermolysis bullosa simplex, Ogna type (EBS5A). Also called: Pidermolysis bullosa simplex 5A, Ogna type; EPIDERMOLYSIS BULLOSA SIMPLEX 5A, OGNA TYPE. Identifiers: Orphanet 79401, MedGen C0432317, MONDO:0007555, OMIM 131950.
Epidermolysis bullosa simplex 5B, with muscular dystrophy (EBS5B). Also called: Epidermolysis bullosa simplex with muscular dystrophy; EPIDERMOLYSIS BULLOSA SIMPLEX AND LIMB-GIRDLE MUSCULAR DYSTROPHY. Identifiers: Orphanet 257, MedGen C2931072, MONDO:0009181, OMIM 226670.
Autosomal recessive limb-girdle muscular dystrophy type 2Q (LGMDR17). Also called: MUSCULAR DYSTROPHY, LIMB-GIRDLE, AUTOSOMAL RECESSIVE 17. Identifiers: Orphanet 254361, MedGen C3150989, MONDO:0013390, OMIM 613723.
Epidermolysis bullosa simplex 5C, with pyloric atresia (EBS5C). Also called: PLEC-Related Epidermolysis Bullosa with Pyloric Atresia; Epidermolysis bullosa simplex with pyloric atresia; PLEC1-Related Epidermolysis Bullosa with Pyloric Atresia. Identifiers: Orphanet 158684, MedGen C2677349, MONDO:0012807, OMIM 612138.

Submission:

Labcorp Genetics (formerly Invitae), Labcorp
Classification: Uncertain significance for Autosomal recessive limb-girdle muscular dystrophy type 2Q; Epidermolysis bullosa simplex, Ogna type; Epidermolysis bullosa simplex with nail dystrophy; Epidermolysis bullosa simplex 5C, with pyloric atresia; Epidermolysis bullosa simplex 5B, with muscular dystrophy. Last evaluated: 2025-07-22. Review status: criteria provided, single submitter. Criteria: Invitae Variant Classification Sherloc (09022015). Collection method: clinical testing. Allele origin: germline.
Comment: This sequence change replaces glutamine, which is neutral and polar, with proline, which is neutral and non-polar, at codon 2570 of the PLEC protein (p.Gln2570Pro). This variant is not present in population databases (gnomAD no frequency). This variant has not been reported in the literature in individuals affected with PLEC-related conditions. Invitae Evidence Modeling of protein sequence and biophysical properties (such as structural, functional, and spatial information, amino acid conservation, physicochemical variation, residue mobility, and thermodynamic stability) indicates that this missense variant is not expected to disrupt PLEC protein function with a negative predictive value of 80%. In summary, the available evidence is currently insufficient to determine the role of this variant in disease. Therefore, it has been classified as a Variant of Uncertain Significance.